The following is an entry in ClinVar:

ClinVar aggregate classification (germline): Uncertain significance (1 of 4 stars; one submission).

Allele frequency attached by ClinVar (database versions not stated): gnomAD exomes below 0.00001; TOPMed 0.00001.
gnomAD v4.1: 1 of 1,613,502 alleles (0.000062%); highest among the groups gnomAD compares: Non-Finnish European, 0.000085%; no homozygotes.

Submission:

CeGaT Center for Human Genetics Tuebingen
Classification: Uncertain significance. Last evaluated: 2023-09-01. Review status: criteria provided, single submitter. Criteria: CeGaT Center For Human Genetics Tuebingen Variant Classification Criteria Version 2. Collection method: clinical testing. Allele origin: germline. Affected: yes. Observed: 1 variant allele.
Comment: SORL1: PM2

NM_003105.6(SORL1):c.1201A>C (p.Thr401Pro)

Gene: SORL1 (sortilin related receptor 1; plus strand). Cytogenetic location: 11q24.1.
Variant type: single nucleotide variant.
Coding change: c.1201A>C on transcript NM_003105.6 (MANE Select); coding-DNA position 1201, A replaced by C.
Protein change: p.Thr401Pro; replaces threonine 401 with proline.
Molecular consequence: missense variant.
Genome position (GRCh38, 1-based): chr11:121,514,311, A>C. VCF-style: chr11-121514311-A-C. GRCh37 (hg19) VCF-style: chr11-121385020-A-C.
Other names: short protein forms T401P.
Identifiers: ClinVar variation 2642478 (VCV002642478.24), dbSNP rs1260458298, ClinGen allele CA383022521.
Genomic context (GRCh38, chr11:121,514,311, plus strand): 5'-AAGTTCTCCCTGTCCTTGGAGAACGTGCTCTATTACAGCCCAGGAGGGGCCGGCAGTGAC[A>C]CCTTGGTGAGGTAAGGAGACTGTGAGTCCTTCTCCTGCCTTCTTAGGCCAACACAACCAT-3'
Protein context (NP_003096.2, residues 391-411): YYSPGGAGSD[Thr401Pro]LVRYFANEPF